The following is an entry in ClinVar:

NM_000264.5(PTCH1):c.3053G>A (p.Trp1018Ter)

Gene: PTCH1 (patched 1; minus strand). Cytogenetic location: 9q22.32.
Variant type: single nucleotide variant.
Coding change: c.3053G>A on transcript NM_000264.5 (MANE Select); coding-DNA position 3053, G replaced by A.
Protein change: p.Trp1018Ter; replaces tryptophan 1018 with a stop codon.
Molecular consequence: nonsense. On other transcripts: non-coding transcript variant (1).
Genome position (GRCh38, 1-based): chr9:95,458,128, C>T on the plus strand (G>A on the coding strand, the complement: PTCH1 is on the minus strand). VCF-style: chr9-95458128-C-T. GRCh37 (hg19) VCF-style: chr9-98220410-C-T.
Other names: c.2855G>A, p.Trp952Ter (NM_001083602.3); c.3050G>A, p.Trp1017Ter (NM_001083603.3); c.2600G>A, p.Trp867Ter (NM_001083604.3, NM_001083605.3, NM_001083606.3 and 1 more transcripts); c.2897G>A, p.Trp966Ter (NM_001354918.2); short protein forms W1017*, W1018*, W867*, W952*, W966*.
Identifiers: ClinVar variation 1074457 (VCV001074457.9), dbSNP rs2136660954, ClinGen allele CA374112493.
Genomic context (GRCh38, chr9:95,458,128, plus strand): 5'-CAGGCCAACACCACGCTGATGAACAGCAGCAGCCAGTGGCGGAGGCCGATGTACTGCTCC[C>T]AGAAGAGGAAGGGGTAGCCGTTGGGGTAACTGGACAGCCCCAGGCTCGTATAGTTGCTGC-3'

ClinVar aggregate classification (germline): Pathogenic (1 of 4 stars; one submission).

Conditions:
Gorlin syndrome. Also called: Basal cell nevus syndrome; Nevoid Basal Cell Carcinoma Syndrome. Identifiers: Orphanet 377, MedGen C0004779, MONDO:0007187.

Submission:

Labcorp Genetics (formerly Invitae), Labcorp
Classification: Pathogenic for Gorlin syndrome. Last evaluated: 2022-11-25. Review status: criteria provided, single submitter. Criteria: Invitae Variant Classification Sherloc (09022015). Collection method: clinical testing. Allele origin: germline.
Comment: This sequence change creates a premature translational stop signal (p.Trp1018*) in the PTCH1 gene. It is expected to result in an absent or disrupted protein product. Loss-of-function variants in PTCH1 are known to be pathogenic (PMID: 16301862, 16419085). This variant is not present in population databases (gnomAD no frequency). This premature translational stop signal has been observed in individual(s) with nevoid basal cell carcinoma syndrome (PMID: 16909134). ClinVar contains an entry for this variant (Variation ID: 1074457). Algorithms developed to predict the effect of sequence changes on RNA splicing suggest that this variant may create or strengthen a splice site. For these reasons, this variant has been classified as Pathogenic.

Literature cited by the submitters: PubMed 16301862; PubMed 16419085; PubMed 16909134.